The following is an entry in ClinVar:

NM_001128159.3(VPS53):c.218+310C>A

Gene: VPS53 (VPS53 subunit of GARP complex; minus strand). Cytogenetic location: 17p13.3.
Variant type: single nucleotide variant.
Coding change: c.218+310C>A on transcript NM_001128159.3 (MANE Select); 310 bases into the intron after coding-DNA position 218, C replaced by A.
Molecular consequence: intron variant.
Genome position (GRCh38, 1-based): chr17:699,021, G>T on the plus strand (C>A on the coding strand, the complement: VPS53 is on the minus strand). VCF-style: chr17-699021-G-T. GRCh37 (hg19) VCF-style: chr17-602261-G-T.
Other names: c.218+310C>A (NM_018289.4, NM_001366253.2); c.-475+310C>A (NM_001366254.2).
Identifiers: ClinVar variation 669397 (VCV000669397.1), dbSNP rs2657629, ClinGen allele CA14367681.

ClinVar aggregate classification (germline): Benign (1 of 4 stars; one submission).

Allele frequency attached by ClinVar (database versions not stated): 1000 Genomes Project 30x 0.30731; 1000 Genomes Project 0.31170; TOPMed 0.36953; gnomAD 0.38255 and 0.38464.
gnomAD v4.1: 58,578 of 151,684 alleles (39%); highest among the groups gnomAD compares: Non-Finnish European, 52%; 13,483 homozygotes.

Submission:

GeneDx
Classification: Benign. Last evaluated: 2018-06-14. Review status: criteria provided, single submitter. Criteria: GeneDx Variant Classification (06012015). Collection method: clinical testing. Allele origin: germline. Affected: yes.
Comment: This variant is considered likely benign or benign based on one or more of the following criteria: it is a conservative change, it occurs at a poorly conserved position in the protein, it is predicted to be benign by multiple in silico algorithms, and/or has population frequency not consistent with disease.